The following is an entry in ClinVar:

ClinVar aggregate classification (germline): Likely pathogenic (1 of 4 stars; one submission).

Conditions:
Wilson disease (WND). Also called: Wilson's disease. Identifiers: Orphanet 905, MedGen C0019202, MONDO:0010200, OMIM 277900. Disease mechanism: loss of function.

Submission:

Myriad Genetics, Inc.
Classification: Likely pathogenic for Wilson disease. Last evaluated: 2022-02-12. Review status: criteria provided, single submitter. Criteria: Myriad Women's Health Autosomal Recessive and X-Linked Classification Criteria (2021). Collection method: clinical testing. Allele origin: unknown.
Comment: NM_000053.3(ATP7B):c.3463_3464delAG(R1155Afs*8) is expected to be pathogenic in the context of Wilson disease. This variant is predicted to lead to an abnormal or absent protein product due to the creation of a premature termination codon in ATP7B, a gene where loss-of-function variants are known to be pathogenic. Please note: this variant was assessed in the context of healthy population screening.

NM_000053.4(ATP7B):c.3463_3464del (p.Arg1155fs)

Gene: ATP7B (ATPase copper transporting beta; minus strand). Cytogenetic location: 13q14.3.
Variant type: Deletion.
Coding change: c.3463_3464del on transcript NM_000053.4 (MANE Select); coding-DNA positions 3463 to 3464, 2 bases deleted (AG; older notation c.3463_3464delAG).
Protein change: p.Arg1155fs; shifts the reading frame from arginine 1155.
Molecular consequence: frameshift variant.
Genome position (GRCh38, 1-based): chr13:51,941,173-51,941,174, CT deleted on the plus strand (AG on the coding strand, the reverse complement: ATP7B is on the minus strand); deleting any 2 consecutive bases within chr13:51,941,173-51,941,175 gives the same sequence; the c. name uses the placement nearest the transcript's 3' end. VCF-style (leftmost placement, unchanged base first): chr13-51941172-CCT-C. GRCh37 (hg19) VCF-style: chr13-52515308-CCT-C.
Other names: c.2842_2843del, p.Arg948fs (NM_001005918.3); c.3130_3131del, p.Arg1044fs (NM_001243182.2); c.3229_3230del, p.Arg1077fs (NM_001330578.2); c.3211_3212del, p.Arg1071fs (NM_001330579.2); c.3462_3463delGA, p.Arg1155Alafs (NM_001406511.1, NM_001406512.1, NM_001406526.1); c.3456_3457delGA, p.Arg1153Alafs (NM_001406513.1); c.3429_3430delGA, p.Arg1144Alafs (NM_001406514.1); c.3408_3409delGA, p.Arg1137Alafs (NM_001406515.1, NM_001406516.1); and 20 more; short protein forms R1044fs, R1071fs, R1077fs, R1155fs, R948fs.
Identifiers: ClinVar variation 1724405 (VCV001724405.2), dbSNP rs2547600885, ClinGen allele CA2580087736.